The following is an entry in ClinVar:

ClinVar aggregate classification (germline): Likely pathogenic. Review status: reviewed by expert panel (3 of 4 stars). 5 submissions from 5 submitters: Likely pathogenic (1). 4 of the submissions do not count toward it. Last evaluated 2026-09-22.

Conditions:
RPE65-related recessive retinopathy. Also called: Recessive RPE65 retinopathy. Identifiers: MedGen CN305526, MONDO:0100368.
Leber congenital amaurosis (LCA). Also called: Leber's amaurosis. Identifiers: Orphanet 65, MedGen C0339527, MeSH D057130, MONDO:0018998.
Leber congenital amaurosis 2 (LCA2). Also called: Autosomal Recessive RPE65-Related Retinal Degeneration; AMAUROSIS CONGENITA OF LEBER II. Identifiers: Orphanet 65, MedGen C1859844, MONDO:0008765, OMIM 204100. Disease mechanism: loss of function.
Retinitis pigmentosa 20 (RP20). Identifiers: Orphanet 791, MedGen C3151086, MONDO:0013425, OMIM 613794.

gnomAD v4.1: 2 of 1,613,928 alleles (0.00012%); highest among the groups gnomAD compares: Middle Eastern, 0.016%; no homozygotes.

Submissions (5):

ClinGen Leber Congenital Amaurosis/early Onset Retinal Dystrophy Variant Curation Expert Panel, ClinGen
Classification: Likely pathogenic for RPE65-related recessive retinopathy. Last evaluated: 2026-09-22. Review status: reviewed by expert panel. Criteria: ClinGen LCAeoRD ACMG Specifications RPE65 V1.0.0. Collection method: curation. Allele origin: germline. Inheritance: Autosomal recessive inheritance.
Comment: NM_000329.3(RPE65):c.1301C>A is a missense variant encoding a substitution of alanine by glutamic acid at codon 434. This variant is present in gnomAD v.4.1.1 at a frequency of 8.475e-7, with 1/ 1179918 alleles in the European (non-Finnish) population, which is lower than the ClinGen LCA/eoRD VCEP PM2_Supporting threshold of <0.0002 (PM2_Supporting). In the Middle Eastern genetic ancestry group, the frequency of 1/6062 alleles (0.0001650) is also lower than the threshold. This variant has been reported in at least 3 unrelated probands with early-onset severe retinal dystrophy who were compound heterozygous with either the NM_000329.3(RPE65):c.1399C>G (p.Pro467Ala) variant confirmed in trans (1 pt, PMID: 31273949), the NM_000329.3(RPE65):c.95-2A>T variant suspected in trans (0.5 pts, LOVD), or the NM_000329.3(RPE65):c.74C>T (p.Pro25Leu) variant suspected in trans (0.5 pts, PMID: 29033008) all of which were previously classified as pathogenic by the ClinGen LCA / eoRD VCEP (2 total points, PM3_Strong). The variant has been reported to segregate with childhood-onset severe retinal dystrophy through the proband plus 1 similarly affected relative, with the variant present in the compound heterozygous state (PMID: 31273949, PP1). The computational predictor REVEL gives a score of 0.769, which is above the ClinGen LCA / eoRD VCEP threshold of ≥0.644 and predicts a damaging effect on RPE65 function (PP3). At least one proband harboring this variant exhibits a phenotype including extinguished rod ERG responses (0.5 pts), fundus albipunctatus / white dots (2 pts), onset between birth and age 5 years (1 pt), evidence of cone involvement on ERG (1 pt), and night blindness (0.5 pts), which together are specific for RPE65-related recessive retinopathy (5 pts, PMID: 31273949, PP4). In summary, this variant meets the criteria to be classified as likely pathogenic for RPE65-related recessive retinopathy based on the ACMG/AMP criteria applied, as specified by the ClinGen LCA / eoRD VCEP: PM2_Supporting, PM3_Strong, PP1, PP3, and PP4. (VCEP specifications version 1.0.0.).

Labcorp Genetics (formerly Invitae), Labcorp
Classification: Pathogenic for Leber congenital amaurosis 2; Retinitis pigmentosa 20. Last evaluated: 2026-01-05. Review status: criteria provided, single submitter. Criteria: Invitae Variant Classification Sherloc (09022015). Collection method: clinical testing. Allele origin: germline. Not counted in ClinVar's aggregate classification.
Comment: This sequence change replaces alanine, which is neutral and non-polar, with glutamic acid, which is acidic and polar, at codon 434 of the RPE65 protein (p.Ala434Glu). This variant is not present in population databases (gnomAD no frequency). This missense change has been observed in individual(s) with autosomal recessive RPE65-related conditions (PMID: 31273949, 37798099). In at least one individual the data is consistent with being in trans (on the opposite chromosome) from a pathogenic variant. It has also been observed to segregate with disease in related individuals. ClinVar contains an entry for this variant (Variation ID: 850613). Invitae Evidence Modeling of protein sequence and biophysical properties (such as structural, functional, and spatial information, amino acid conservation, physicochemical variation, residue mobility, and thermodynamic stability) indicates that this missense variant is expected to disrupt RPE65 protein function with a positive predictive value of 80%. For these reasons, this variant has been classified as Pathogenic.

Natera, Inc.
Classification: Likely pathogenic for Leber congenital amaurosis. Last evaluated: 2025-04-16. Review status: criteria provided, single submitter. Criteria: Natera Variant Classification Schema (03/2026). Collection method: clinical testing. Allele origin: germline. Not counted in ClinVar's aggregate classification.
Comment: The c.1301C>A variant in RPE65 is a missense variant predicted to cause substitution of alanine to glutamic acid at amino acid 434. This variant is rare in the general population with a frequency below the threshold expected for the associated phenotype(s). This variant has been observed in one or more individuals affected with the associated recessive disease, as either homozygous or compound heterozygous with a second variant (PMID: 31273949, 29033008, 37798099). Additionally, this variant has been observed to segregate in affected family members (PMID: 31273949). Computational prediction algorithms indicate this variant is likely to affect gene or protein function. Given the available evidence, this variant is classified as Likely Pathogenic.

3billion
Classification: Likely pathogenic for Retinitis pigmentosa 20. Last evaluated: 2024-06-03. Review status: criteria provided, single submitter. Criteria: ACMG Guidelines, 2015. Collection method: clinical testing. Allele origin: germline. Affected: yes. Not counted in ClinVar's aggregate classification.
Comment: The variant is observed at an extremely low frequency in the gnomAD v4.0.0 dataset (total allele frequency: <0.001%). Predicted Consequence/Location: Missense variant In silico tool predictions suggest damaging effect of the variant on gene or gene product [REVEL: 0.77 (>=0.6, sensitivity 0.68 and specificity 0.92); 3Cnet: 0.95 (>=0.6, sensitivity 0.72 and precision 0.9)]. The same nucleotide change resulting in the same amino acid change has been previously reported as pathogenic/likely pathogenic with strong evidence (ClinVar ID: VCV000850613 /PMID: 31273949). Therefore, this variant is classified as Likely pathogenic according to the recommendation of ACMG/AMP guideline.

Laboratory of Genetics in Ophthalmology, Institut Imagine
Classification: Likely pathogenic for Leber congenital amaurosis 2. Review status: no assertion criteria provided. Collection method: research. Allele origin: inherited. Affected: yes. Observed: 1 variant allele. Not counted in ClinVar's aggregate classification.

Literature cited by the submitters: PubMed 31273949 (cited by 3 submitters); PubMed 37798099 (cited by Labcorp Genetics (formerly Invitae), Labcorp and Natera, Inc.); PubMed 29033008 (cited by Natera, Inc.).

NM_000329.3(RPE65):c.1301C>A (p.Ala434Glu)

Gene: RPE65 (retinoid isomerohydrolase RPE65; minus strand). Cytogenetic location: 1p31.3.
Variant type: single nucleotide variant.
Coding change: c.1301C>A on transcript NM_000329.3 (MANE Select); coding-DNA position 1301, C replaced by A.
Protein change: p.Ala434Glu; replaces alanine 434 with glutamic acid.
Molecular consequence: missense variant.
Genome position (GRCh38, 1-based): chr1:68,431,319, G>T on the plus strand (C>A on the coding strand, the complement: RPE65 is on the minus strand). VCF-style: chr1-68431319-G-T. GRCh37 (hg19) VCF-style: chr1-68897002-G-T.
Other names: NM_000329.3(RPE65):c.1301C>A; p.Ala434Glu; short protein forms A434E.
Identifiers: ClinVar variation 850613 (VCV000850613.11), dbSNP rs34627040, ClinGen allele CA340742486.